The following is an entry in ClinVar:

NC_000001.11:g.(?_42927021)_(42931226_?)del

Gene: SLC2A1 (solute carrier family 2 member 1; minus strand). Cytogenetic location: 1p34.2.
Variant type: Deletion.
Identifiers: ClinVar variation 584015 (VCV000584015.1).

ClinVar aggregate classification (germline): Pathogenic (1 of 4 stars; one submission).

Conditions:
GLUT1 deficiency syndrome 1, autosomal recessive. Identifiers: MedGen C3149117.

Submission:

Labcorp Genetics (formerly Invitae), Labcorp
Classification: Pathogenic for GLUT1 deficiency syndrome 1, autosomal recessive. Last evaluated: 2018-01-25. Review status: criteria provided, single submitter. Criteria: Invitae Variant Classification Sherloc (09022015). Collection method: clinical testing. Allele origin: germline.
Comment: This variant is a gross deletion of the genomic region encompassing exons 3-10 of the SLC2A1 gene. The 5' boundary is likely confined to intron 2. The 3' end of this event is unknown as it extends through the termination codon beyond the assayed region for this gene and may encompass additional genes. While this deletion is not anticipated to result in nonsense mediated decay, it is expected to create a truncated protein product or disrupt mRNA translation. This variant has not been reported in individuals affected with GLUT1 deficiency syndrome (GLUT1DS). This variant deletes 92% of the SLC2A1 coding sequence and is expected to result in a total loss of protein function.Â¬â€  Loss-of-function variants in SLC2A1 are known to be pathogenic (PMID: 21832227, 26193382). Several missense variants within this region, such as p.Arg126Cys and p.Arg223Trp, have been determined to be pathogenic (PMID: 21546317, 17718830, 26193382, 25564316, 26537434, Invitae), further supporting the functional significance of the deleted sequence. For these reasons, this variant has been classified as Pathogenic.

Literature cited by the submitters: PubMed 26537434; PubMed 17718830; PubMed 25564316; PubMed 21546317; PubMed 26193382.